The following is an entry in ClinVar:

NM_000059.4(BRCA2):c.3337G>A (p.Glu1113Lys)

Gene: BRCA2 (BRCA2 DNA repair associated; plus strand). Cytogenetic location: 13q13.1.
Variant type: single nucleotide variant.
Coding change: c.3337G>A on transcript NM_000059.4 (MANE Select); coding-DNA position 3337, G replaced by A.
Protein change: p.Glu1113Lys; replaces glutamic acid 1113 with lysine.
Molecular consequence: missense variant.
Genome position (GRCh38, 1-based): chr13:32,337,692, G>A. VCF-style: chr13-32337692-G-A. GRCh37 (hg19) VCF-style: chr13-32911829-G-A.
Other names: short protein forms E1113K.
Identifiers: ClinVar variation 823626 (VCV000823626.9), dbSNP rs1482364471, ClinGen allele CA387776295.
Genomic context (GRCh38, chr13:32,337,692, plus strand): 5'-TCCAAGCAGGATTTTAATTCAAACCATAATTTAACACCTAGCCAAAAGGCAGAAATTACA[G>A]AACTTTCTACTATATTAGAAGAATCAGGAAGTCAGTTTGAATTTACTCAGTTTAGAAAAC-3'
Protein context (NP_000050.3, residues 1103-1123): LTPSQKAEIT[Glu1113Lys]LSTILEESGS

ClinVar aggregate classification (germline): Conflicting classifications of pathogenicity. Review status: criteria provided, conflicting classifications (1 of 4 stars). 4 submissions from 4 submitters: Uncertain significance (2); Likely benign (2). Last evaluated 2024-02-27.

Conditions:
Hereditary breast ovarian cancer syndrome. Also called: Hereditary breast and ovarian cancer syndrome; Hereditary breast and ovarian cancer; Hereditary breast and ovarian cancer syndrome (HBOC); Breast and ovarian cancer; Hereditary breast and/or ovarian cancer syndrome; BRCA1- and BRCA2-Associated Hereditary Breast and Ovarian Cancer. Identifiers: Orphanet 145, MedGen C0677776, MeSH D061325, MONDO:0003582. Disease mechanism: loss of function.
BRCA2-related cancer predisposition. Identifiers: MedGen CN377758, MONDO:0700269.
Hereditary cancer-predisposing syndrome. Also called: Neoplastic Syndromes, Hereditary; Tumor predisposition; Hereditary neoplastic syndrome; Hereditary Cancer Syndrome. Identifiers: Orphanet 140162, MedGen C0027672, MeSH D009386, MONDO:0015356.

Allele frequency attached by ClinVar (database versions not stated): gnomAD exomes below 0.00001.
gnomAD v4.1: 1 of 1,601,588 alleles (0.000062%); highest among the groups gnomAD compares: Non-Finnish European, 0.000085%; no homozygotes.

Submissions (4):

Labcorp Genetics (formerly Invitae), Labcorp
Classification: Likely benign for Hereditary breast ovarian cancer syndrome. Last evaluated: 2024-02-27. Review status: criteria provided, single submitter. Criteria: Invitae Variant Classification Sherloc (09022015). Collection method: clinical testing. Allele origin: germline.

University of Washington Department of Laboratory Medicine, University of Washington
Classification: Likely benign for Hereditary cancer-predisposing syndrome. Last evaluated: 2023-03-23. Review status: criteria provided, single submitter. Criteria: Dines et al. (Genet Med. 2020). Collection method: curation. Allele origin: germline.
Comment: Missense variant in a coldspot region where missense variants are very unlikely to be pathogenic (PMID:31911673).

BRCA2 exon 11 coldspot. Reclassification based on statistical prior probability.

Department of Pathology and Laboratory Medicine, Sinai Health System
Classification: Uncertain significance for BRCA2-related cancer predisposition. Last evaluated: 2021-12-10. Review status: criteria provided, single submitter. Criteria: ACMG Guidelines, 2015. Collection method: clinical testing. Allele origin: germline.

Ambry Genetics
Classification: Uncertain significance for Hereditary cancer-predisposing syndrome. Last evaluated: 2018-02-02. Review status: criteria provided, single submitter. Criteria: Ambry Variant Classification Scheme 2023. Collection method: clinical testing. Allele origin: germline.
Comment: The p.E1113K variant (also known as c.3337G>A), located in coding exon 10 of the BRCA2 gene, results from a G to A substitution at nucleotide position 3337. The glutamic acid at codon 1113 is replaced by lysine, an amino acid with similar properties. This amino acid position is highly conserved in available vertebrate species. In addition, the in silico prediction for this alteration is inconclusive. Since supporting evidence is limited at this time, the clinical significance of this alteration remains unclear.